The following is an entry in ClinVar:

ClinVar aggregate classification (germline): Uncertain significance (1 of 4 stars; one submission).

Conditions:
Congenital myasthenic syndrome 9. Also called: Myasthenic syndrome, congenital, 9, associated with acetylcholine receptor deficiency. Identifiers: Orphanet 590, MedGen C4225368, MONDO:0014587, OMIM 616325.
Fetal akinesia deformation sequence 1 (FADS1). Also called: Fetal akinesia sequence; Pena-Shokeir syndrome type I. Identifiers: Orphanet 994, MedGen C1276035, MONDO:0100101, OMIM 208150, HP:0001989.

Allele frequency attached by ClinVar (database versions not stated): gnomAD exomes below 0.00001.
gnomAD v4.1: 1 of 1,613,240 alleles (0.000062%); highest among the groups gnomAD compares: Non-Finnish European, 0.000085%; no homozygotes.

Submission:

Labcorp Genetics (formerly Invitae), Labcorp
Classification: Uncertain significance for Congenital myasthenic syndrome 9; Fetal akinesia deformation sequence 1. Last evaluated: 2022-07-06. Review status: criteria provided, single submitter. Criteria: Invitae Variant Classification Sherloc (09022015). Collection method: clinical testing. Allele origin: germline.
Comment: In summary, the available evidence is currently insufficient to determine the role of this variant in disease. Therefore, it has been classified as a Variant of Uncertain Significance. Advanced modeling of protein sequence and biophysical properties (such as structural, functional, and spatial information, amino acid conservation, physicochemical variation, residue mobility, and thermodynamic stability) performed at Invitae indicates that this missense variant is not expected to disrupt MUSK protein function. This variant has not been reported in the literature in individuals affected with MUSK-related conditions. This variant is not present in population databases (gnomAD no frequency). This sequence change replaces asparagine, which is neutral and polar, with lysine, which is basic and polar, at codon 562 of the MUSK protein (p.Asn562Lys).

NM_005592.4(MUSK):c.1686C>A (p.Asn562Lys)

Gene: MUSK (muscle associated receptor tyrosine kinase; plus strand). Cytogenetic location: 9q31.3.
Variant type: single nucleotide variant.
Coding change: c.1686C>A on transcript NM_005592.4 (MANE Select); coding-DNA position 1686, C replaced by A.
Protein change: p.Asn562Lys; replaces asparagine 562 with lysine.
Molecular consequence: missense variant.
Genome position (GRCh38, 1-based): chr9:110,785,626, C>A. VCF-style: chr9-110785626-C-A. GRCh37 (hg19) VCF-style: chr9-113547906-C-A.
Other names: c.1428C>A, p.Asn476Lys (NM_001166280.2); c.1398C>A, p.Asn466Lys (NM_001166281.2); c.426C>A, p.Asn142Lys (NM_001369398.1); short protein forms N142K, N476K, N466K, N562K.
Identifiers: ClinVar variation 2012155 (VCV002012155.4), dbSNP rs2491152713, ClinGen allele CA374475809.